The following is an entry in ClinVar:

ClinVar aggregate classification (germline): Conflicting classifications of pathogenicity. Review status: criteria provided, conflicting classifications (1 of 4 stars). 2 submissions from 2 submitters: Uncertain significance (1); Likely benign (1). Last evaluated 2022-08-20.

Allele frequency attached by ClinVar (database versions not stated): TOPMed below 0.00001; gnomAD 0.00001; gnomAD exomes 0.00001.
gnomAD v4.1: 10 of 1,613,606 alleles (0.00062%); highest among the groups gnomAD compares: Middle Eastern, 0.016%; no homozygotes.

Submissions (2):

Labcorp Genetics (formerly Invitae), Labcorp
Classification: Likely benign. Last evaluated: 2022-08-20. Review status: criteria provided, single submitter. Criteria: Invitae Variant Classification Sherloc (09022015). Collection method: clinical testing. Allele origin: germline.

GeneDx
Classification: Uncertain significance. Last evaluated: 2019-08-29. Review status: criteria provided, single submitter. Criteria: GeneDx Variant Classification Process June 2021. Collection method: clinical testing. Allele origin: germline. Affected: yes.
Comment: Not observed at a significant frequency in large population cohorts (Lek et al., 2016); In silico analysis, which includes protein predictors and evolutionary conservation, supports a deleterious effect; Has not been previously published as pathogenic or benign to our knowledge

NM_001854.4(COL11A1):c.4615C>T (p.Pro1539Ser)

Gene: COL11A1 (collagen type XI alpha 1 chain; minus strand). Cytogenetic location: 1p21.1.
Variant type: single nucleotide variant.
Coding change: c.4615C>T on transcript NM_001854.4 (MANE Select); coding-DNA position 4615, C replaced by T.
Protein change: p.Pro1539Ser; replaces proline 1539 with serine.
Molecular consequence: missense variant. On other transcripts: non-coding transcript variant (1).
Genome position (GRCh38, 1-based): chr1:102,887,050, G>A on the plus strand (C>T on the coding strand, the complement: COL11A1 is on the minus strand). VCF-style: chr1-102887050-G-A. GRCh37 (hg19) VCF-style: chr1-103352606-G-A.
Other names: c.4498C>T, p.Pro1500Ser (NM_001190709.2); c.4651C>T, p.Pro1551Ser (NM_080629.3); c.4267C>T, p.Pro1423Ser (NM_080630.4); short protein forms P1423S, P1500S, P1539S, P1551S.
Identifiers: ClinVar variation 1309453 (VCV001309453.6), dbSNP rs1374575593, ClinGen allele CA341212234.